The following is an entry in ClinVar:

ClinVar aggregate classification (germline): Likely benign. Review status: criteria provided, multiple submitters, no conflicts (2 of 4 stars). 4 submissions from 4 submitters: Likely benign (4). Last evaluated 2026-01-28.

Conditions:
EGFR-related lung cancer (EGFR). Identifiers: MedGen CN130014.
Hereditary cancer-predisposing syndrome. Also called: Hereditary Cancer Syndrome; Tumor predisposition; Hereditary neoplastic syndrome; Neoplastic Syndromes, Hereditary. Identifiers: Orphanet 140162, MedGen C0027672, MeSH D009386, MONDO:0015356.

Allele frequency attached by ClinVar (database versions not stated): TOPMed 0.00004; gnomAD exomes 0.00010 and 0.00003; 1000 Genomes Project 30x 0.00016; 1000 Genomes Project 0.00020; ExAC 0.00003; gnomAD 0.00003 and 0.00004.
gnomAD v4.1: 162 of 1,614,180 alleles (0.01%); highest among the groups gnomAD compares: Non-Finnish European, 0.013%; no homozygotes.

Submissions (4):

Labcorp Genetics (formerly Invitae), Labcorp
Classification: Likely benign for EGFR-related lung cancer. Last evaluated: 2026-01-28. Review status: criteria provided, single submitter. Criteria: Invitae Variant Classification Sherloc (09022015). Collection method: clinical testing. Allele origin: germline.

CeGaT Center for Human Genetics Tuebingen
Classification: Likely benign. Last evaluated: 2025-09-01. Review status: criteria provided, single submitter. Criteria: CeGaT Center For Human Genetics Tuebingen Variant Classification Criteria Version 2. Collection method: clinical testing. Allele origin: germline. Affected: yes. Observed: 1 variant allele.
Comment: EGFR: BP4, BP7

Ambry Genetics
Classification: Likely benign for Hereditary cancer-predisposing syndrome. Last evaluated: 2024-08-09. Review status: criteria provided, single submitter. Criteria: Ambry Variant Classification Scheme 2023. Collection method: clinical testing. Allele origin: germline.

Sema4
Classification: Likely benign for Hereditary cancer-predisposing syndrome. Last evaluated: 2020-06-08. Review status: criteria provided, single submitter. Criteria: Sema4 Curation Guidelines. Collection method: curation. Allele origin: germline.

NM_005228.5(EGFR):c.3480A>G (p.Lys1160=)

Gene: EGFR (epidermal growth factor receptor; plus strand). Cytogenetic location: 7p11.2.
Variant type: single nucleotide variant.
Coding change: c.3480A>G on transcript NM_005228.5 (MANE Select); coding-DNA position 3480, A replaced by G.
Protein change: p.Lys1160=; no amino-acid change (lysine 1160 retained).
Molecular consequence: synonymous variant.
Genome position (GRCh38, 1-based): chr7:55,205,464, A>G. VCF-style: chr7-55205464-A-G. GRCh37 (hg19) VCF-style: chr7-55273157-A-G.
Other names: c.3345A>G, p.Lys1115= (NM_001346899.2); c.3321A>G, p.Lys1107= (NM_001346900.2); c.2679A>G, p.Lys893= (NM_001346941.2).
Identifiers: ClinVar variation 763877 (VCV000763877.20), dbSNP rs201196771, ClinGen allele CA4266409.
Genomic context (GRCh38, chr7:55,205,464, plus strand): 5'-CACTGTCCAGCCCACCTGTGTCAACAGCACATTCGACAGCCCTGCCCACTGGGCCCAGAA[A>G]GGCAGCCACCAAATTAGCCTGGACAACCCTGACTACCAGCAGGACTTCTTTCCCAAGGAA-3'
Protein context (NP_005219.2, residues 1150-1170): TFDSPAHWAQ[Lys1160=]GSHQISLDNP